The following is an entry in ClinVar:

NM_001130987.2(DYSF):c.3085+3G>A

Gene: DYSF (dysferlin; plus strand). Cytogenetic location: 2p13.2.
Variant type: single nucleotide variant.
Coding change: c.3085+3G>A on transcript NM_001130987.2 (MANE Select); 3 bases into the intron after coding-DNA position 3085, G replaced by A.
Molecular consequence: intron variant.
Genome position (GRCh38, 1-based): chr2:71,570,337, G>A. VCF-style: chr2-71570337-G-A. GRCh37 (hg19) VCF-style: chr2-71797467-G-A.
Other names: c.3124+3G>A (NM_001130979.2); c.3082+3G>A (NM_001130981.2, NM_001130980.2); c.3031+3G>A (NM_001130978.2, NM_003494.4); c.2989+3G>A (NM_001130977.2, NM_001130976.2); c.3127+3G>A (NM_001130982.2); c.3085+3G>A (NM_001130985.2); c.3034+3G>A (NM_001130983.2, NM_001130455.2); c.2992+3G>A (NM_001130984.2, NM_001130986.2).
Identifiers: ClinVar variation 1922357 (VCV001922357.4), dbSNP rs769921150, ClinGen allele CA1706387.

ClinVar aggregate classification (germline): Uncertain significance. Review status: criteria provided, multiple submitters, no conflicts (2 of 4 stars). 2 submissions from 2 submitters: Uncertain significance (2). Last evaluated 2023-03-01.

Conditions:
Neuromuscular disease caused by qualitative or quantitative defects of dysferlin. Also called: Qualitative or quantitative defects of dysferlin; Dysferlinopathy. Identifiers: Orphanet 207073, MedGen C2931687, MONDO:0016145.

Allele frequency attached by ClinVar (database versions not stated): gnomAD exomes below 0.00001; ExAC 0.00001; gnomAD 0.00001; TOPMed 0.00001.
gnomAD v4.1: 7 of 1,613,708 alleles (0.00043%); highest among the groups gnomAD compares: Non-Finnish European, 0.00051%; no homozygotes.

Submissions (2):

Revvity Omics, Revvity
Classification: Uncertain significance. Last evaluated: 2023-03-01. Review status: criteria provided, single submitter. Criteria: ACMG Guidelines, 2015. Collection method: clinical testing. Allele origin: germline.

Labcorp Genetics (formerly Invitae), Labcorp
Classification: Uncertain significance for Neuromuscular disease caused by qualitative or quantitative defects of dysferlin. Last evaluated: 2022-06-18. Review status: criteria provided, single submitter. Criteria: Invitae Variant Classification Sherloc (09022015). Collection method: clinical testing. Allele origin: germline.
Comment: This sequence change falls in intron 28 of the DYSF gene. It does not directly change the encoded amino acid sequence of the DYSF protein. It affects a nucleotide within the consensus splice site. This variant is present in population databases (rs769921150, gnomAD 0.002%). This variant has not been reported in the literature in individuals affected with DYSF-related conditions. Variants that disrupt the consensus splice site are a relatively common cause of aberrant splicing (PMID: 17576681, 9536098). Algorithms developed to predict the effect of sequence changes on RNA splicing suggest that this variant is not likely to affect RNA splicing. In summary, the available evidence is currently insufficient to determine the role of this variant in disease. Therefore, it has been classified as a Variant of Uncertain Significance.

Literature cited by the submitters: PubMed 17576681 (cited by Labcorp Genetics (formerly Invitae), Labcorp); PubMed 9536098 (cited by Labcorp Genetics (formerly Invitae), Labcorp).